The following is an entry in ClinVar:

ClinVar aggregate classification (germline): Uncertain significance. Review status: criteria provided, single submitter (1 of 4 stars). 2 submissions from 2 submitters: Uncertain significance (1). 1 of the submissions does not count toward it. Last evaluated 2026-01-19.

Conditions:
ADGRA3-related disorder. Also called: ADGRA3-related condition.

Allele frequency attached by ClinVar (database versions not stated): gnomAD 0.00005; gnomAD exomes 0.00006 and 0.00027; TOPMed 0.00015; ExAC 0.00021.
gnomAD v4.1: 89 of 1,612,392 alleles (0.0055%); highest among the groups gnomAD compares: Admixed American, 0.12%; 1 homozygote.

Submissions (2):

Labcorp Genetics (formerly Invitae), Labcorp
Classification: Uncertain significance. Last evaluated: 2026-01-19. Review status: criteria provided, single submitter. Criteria: Invitae Variant Classification Sherloc (09022015). Collection method: clinical testing. Allele origin: germline.
Comment: This sequence change replaces arginine, which is basic and polar, with cysteine, which is neutral and slightly polar, at codon 413 of the ADGRA3 protein (p.Arg413Cys). The frequency data for this variant in the population databases is considered unreliable, as metrics indicate poor data quality at this position in the gnomAD database. This variant has not been reported in the literature in individuals affected with ADGRA3-related conditions. ClinVar contains an entry for this variant (Variation ID: 963413). An algorithm developed to predict the effect of missense changes on protein structure and function (PolyPhen-2) suggests that this variant is likely to be disruptive. In summary, the available evidence is currently insufficient to determine the role of this variant in disease. Therefore, it has been classified as a Variant of Uncertain Significance.

PreventionGenetics, part of Exact Sciences
Classification: Likely benign for ADGRA3-related condition. Last evaluated: 2022-05-02. Review status: no assertion criteria provided. Collection method: clinical testing. Allele origin: germline. Not counted in ClinVar's aggregate classification.
Comment: This variant is classified as likely benign based on ACMG/AMP sequence variant interpretation guidelines (Richards et al. 2015 PMID: 25741868, with internal and published modifications).

NM_145290.4(ADGRA3):c.1237C>T (p.Arg413Cys)

Gene: ADGRA3 (adhesion G protein-coupled receptor A3; minus strand). Cytogenetic location: 4p15.2.
Variant type: single nucleotide variant.
Coding change: c.1237C>T on transcript NM_145290.4 (MANE Select); coding-DNA position 1237, C replaced by T.
Protein change: p.Arg413Cys; replaces arginine 413 with cysteine.
Molecular consequence: missense variant.
Genome position (GRCh38, 1-based): chr4:22,436,490, G>A on the plus strand (C>T on the coding strand, the complement: ADGRA3 is on the minus strand). VCF-style: chr4-22436490-G-A. GRCh37 (hg19) VCF-style: chr4-22438113-G-A.
Other names: short protein forms R413C.
Identifiers: ClinVar variation 963413 (VCV000963413.9), dbSNP rs774236322, ClinGen allele CA2874012.